The following is an entry in ClinVar:

ClinVar aggregate classification (germline): Uncertain significance. Review status: criteria provided, multiple submitters, no conflicts (2 of 4 stars). 2 submissions from 2 submitters: Uncertain significance (2). Last evaluated 2022-10-05.

Conditions:
Autosomal recessive mendelian susceptibility to mycobacterial diseases due to complete RORgamma receptor deficiency. Also called: Immunodeficiency 42. Identifiers: Orphanet 477857, MedGen C5567647, MONDO:0014710, OMIM 616622.
RORC-related disorder. Also called: RORC-related condition.

Allele frequency attached by ClinVar (database versions not stated): ExAC 0.00002; gnomAD 0.00002 and 0.00003; TOPMed 0.00002; gnomAD exomes 0.00003 and 0.00004.

Submissions (2):

PreventionGenetics, part of Exact Sciences
Classification: Uncertain significance for RORC-related condition. Last evaluated: 2022-10-05. Review status: criteria provided, single submitter. Criteria: ACMG Guidelines, 2015. Collection method: clinical testing. Allele origin: germline.
Comment: The RORC c.35C>T variant is predicted to result in the amino acid substitution p.Ser12Leu. To our knowledge, this variant has not been reported in the literature. This variant is reported in 0.0047% of alleles in individuals of European (Non-Finnish) descent in gnomAD. At this time, the clinical significance of this variant is uncertain due to the absence of conclusive functional and genetic evidence.

Labcorp Genetics (formerly Invitae), Labcorp
Classification: Uncertain significance for Autosomal recessive mendelian susceptibility to mycobacterial diseases due to complete RORgamma receptor deficiency. Last evaluated: 2022-07-13. Review status: criteria provided, single submitter. Criteria: Invitae Variant Classification Sherloc (09022015). Collection method: clinical testing. Allele origin: germline.
Comment: This variant is present in population databases (rs199968527, gnomAD 0.004%). This variant has not been reported in the literature in individuals affected with RORC-related conditions. ClinVar contains an entry for this variant (Variation ID: 954403). This sequence change replaces serine, which is neutral and polar, with leucine, which is neutral and non-polar, at codon 12 of the RORC protein (p.Ser12Leu). Algorithms developed to predict the effect of missense changes on protein structure and function (SIFT, PolyPhen-2, Align-GVGD) all suggest that this variant is likely to be tolerated. In summary, the available evidence is currently insufficient to determine the role of this variant in disease. Therefore, it has been classified as a Variant of Uncertain Significance.

NM_005060.4(RORC):c.35C>T (p.Ser12Leu)

Gene: RORC (RAR related orphan receptor C; minus strand). Cytogenetic location: 1q21.3.
Variant type: single nucleotide variant.
Coding change: c.35C>T on transcript NM_005060.4 (MANE Select); coding-DNA position 35, C replaced by T.
Protein change: p.Ser12Leu; replaces serine 12 with leucine.
Molecular consequence: missense variant.
Genome position (GRCh38, 1-based): chr1:151,831,730, G>A on the plus strand (C>T on the coding strand, the complement: RORC is on the minus strand). VCF-style: chr1-151831730-G-A. GRCh37 (hg19) VCF-style: chr1-151804206-G-A.
Other names: short protein forms S12L.
Identifiers: ClinVar variation 954403 (VCV000954403.10), dbSNP rs199968527, ClinGen allele CA1096077.
Genomic context (GRCh38, chr1:151,831,730, plus strand): 5'-CCTCTGAACCTCCAGCAGTCTCTTCCACCTGCAGGCAGGGCCATGGGCCTCTTACCCCGT[G>A]AGGCTCGGTGCTGTCTCTGTGGGGCCCTGTCCATGGGGCAGCTCCCTTGGTGCCGTCCTG-3'
Protein context (NP_005051.2, residues 2-22): DRAPQRQHRA[Ser12Leu]RELLAAKKTH